The following is an entry in ClinVar:

NM_001367721.1(CASK):c.1842+6T>C

Gene: CASK (calcium/calmodulin dependent serine protein kinase; minus strand). Cytogenetic location: Xp11.4.
Variant type: single nucleotide variant.
Coding change: c.1842+6T>C on transcript NM_001367721.1 (MANE Select); 6 bases into the intron after coding-DNA position 1842, T replaced by C.
Molecular consequence: intron variant.
Genome position (GRCh38, 1-based): chrX:41,555,594, A>G on the plus strand (T>C on the coding strand, the complement: CASK is on the minus strand). VCF-style: chrX-41555594-A-G. GRCh37 (hg19) VCF-style: chrX-41414847-A-G.
Other names: c.1755+6T>C (NM_001126055.3); c.1824+6T>C (NM_001410745.1); c.1773+6T>C (NM_001126054.3); c.1842+6T>C (NM_003688.4).
Identifiers: ClinVar variation 1315072 (VCV001315072.2), dbSNP rs2147142062, ClinGen allele CA2573055320.
Genomic context (GRCh38, chrX:41,555,594, plus strand): 5'-GGTTAATAAAGGATTGGCTATTAGCTGCTCAGTTTAGAGAAGTTTCTATAGAGGATATCT[A>G]TTCACCTGTCGTCCTTTTGGTTGGGTAGTTGATGGCAAGTCCTGTAGAATAAAGCCAACC-3'

ClinVar aggregate classification (germline): Uncertain significance (1 of 4 stars; one submission).

Allele frequency attached by ClinVar (database versions not stated): gnomAD exomes below 0.00001.
gnomAD v4.1: 1 of 1,193,047 alleles (0.000084%); highest among the groups gnomAD compares: Non-Finnish European, 0.00011%; no homozygotes.

Submission:

GeneDx
Classification: Uncertain significance. Last evaluated: 2020-02-19. Review status: criteria provided, single submitter. Criteria: GeneDx Variant Classification Process June 2021. Collection method: clinical testing. Allele origin: germline. Affected: yes.
Comment: Not observed in large population cohorts (Lek et al., 2016); In silico analysis supports that this variant does not alter splicing; Has not been previously published as pathogenic or benign to our knowledge